The following is an entry in ClinVar:

NM_133510.4(RAD51B):c.412G>A (p.Val138Met)

Gene: RAD51B (RAD51 paralog B; plus strand). Cytogenetic location: 14q24.1.
Variant type: single nucleotide variant.
Coding change: c.412G>A on transcript NM_133510.4 (MANE Select); coding-DNA position 412, G replaced by A.
Protein change: p.Val138Met; replaces valine 138 with methionine.
Molecular consequence: missense variant.
Genome position (GRCh38, 1-based): chr14:67,865,099, G>A. VCF-style: chr14-67865099-G-A. GRCh37 (hg19) VCF-style: chr14-68331816-G-A.
Other names: c.412G>A, p.Val138Met (NM_001321809.2, NM_001321810.2, NM_001321812.1 and 6 more transcripts); c.298G>A, p.Val100Met (NM_001321815.1); c.55G>A, p.Val19Met (NM_001321817.2); short protein forms V100M, V138M, V19M.
Identifiers: ClinVar variation 3429621 (VCV003429621.1).

ClinVar aggregate classification (germline): Uncertain significance (1 of 4 stars; one submission).

gnomAD v4.1: 10 of 1,601,108 alleles (0.00062%); highest among the groups gnomAD compares: African/African-American, 0.0014%; no homozygotes.

Submission:

Ambry Genetics
Classification: Uncertain significance. Last evaluated: 2024-11-18. Review status: criteria provided, single submitter. Criteria: Ambry Variant Classification Scheme 2023. Collection method: clinical testing. Allele origin: germline.
Comment: The p.V138M variant (also known as c.412G>A), located in coding exon 4 of the RAD51B gene, results from a G to A substitution at nucleotide position 412. The valine at codon 138 is replaced by methionine, an amino acid with highly similar properties. This amino acid position is conserved. In addition, this alteration is predicted to be deleterious by in silico analysis. Based on the available evidence, the clinical significance of this variant remains unclear.